The following is an entry in ClinVar:

NM_000179.3(MSH6):c.1238G>A (p.Trp413Ter)

Gene: MSH6 (mutS homolog 6; plus strand). Cytogenetic location: 2p16.3.
Variant type: single nucleotide variant.
Coding change: c.1238G>A on transcript NM_000179.3 (MANE Select); coding-DNA position 1238, G replaced by A.
Protein change: p.Trp413Ter; replaces tryptophan 413 with a stop codon.
Molecular consequence: nonsense.
Genome position (GRCh38, 1-based): chr2:47,799,221, G>A. VCF-style: chr2-47799221-G-A. GRCh37 (hg19) VCF-style: chr2-48026360-G-A.
Other names: c.848G>A, p.Trp283Ter (NM_001281492.2); c.332G>A, p.Trp111Ter (NM_001281493.2, NM_001281494.2); short protein forms W413*, W111*, W283*.
Identifiers: ClinVar variation 183736 (VCV000183736.20), dbSNP rs786201049, ClinGen allele CA008349.

ClinVar aggregate classification (germline): Pathogenic. Review status: criteria provided, multiple submitters, no conflicts (2 of 4 stars). 5 submissions from 5 submitters: Pathogenic (4). 1 of the submissions does not count toward it. Last evaluated 2026-08-03.

Conditions:
Hereditary nonpolyposis colorectal neoplasms. Identifiers: MedGen C0009405, MeSH D003123.
Hereditary cancer-predisposing syndrome. Also called: Neoplastic Syndromes, Hereditary; Hereditary Cancer Syndrome; Tumor predisposition; Hereditary neoplastic syndrome. Identifiers: Orphanet 140162, MedGen C0027672, MeSH D009386, MONDO:0015356.
Lynch syndrome 5 (LYNCH5). Also called: Colorectal cancer, hereditary nonpolyposis, type 5; Hereditary non-polyposis colorectal cancer, type 5. Identifiers: Orphanet 144, MedGen C1833477, MONDO:0013710, OMIM 614350. Disease mechanism: loss of function.
Endometrial carcinoma. Also called: Endometrial carcinoma, somatic. Identifiers: MedGen C0476089, MONDO:0002447, OMIM 608089, HP:0012114.

Submissions (5):

Ambry Genetics
Classification: Pathogenic for Hereditary cancer-predisposing syndrome. Last evaluated: 2026-08-03. Review status: criteria provided, single submitter. Criteria: Ambry Variant Classification Scheme 2023. Collection method: clinical testing. Allele origin: germline.
Comment: The p.W413* pathogenic mutation (also known as c.1238G>A), located in coding exon 4 of the MSH6 gene, results from a G to A substitution at nucleotide position 1238. This changes the amino acid from a tryptophan to a stop codon within coding exon 4. This variant is considered to be rare based on population cohorts in the Genome Aggregation Database (gnomAD). This alteration is expected to result in loss of function by premature protein truncation or nonsense-mediated mRNA decay. As such, this alteration is interpreted as a disease-causing mutation.

GeneDx
Classification: Pathogenic. Last evaluated: 2025-10-06. Review status: criteria provided, single submitter. Criteria: GeneDx Variant Classification Process June 2021. Collection method: clinical testing. Allele origin: germline.
Comment: Observed in an individual with renal cancer (PMID: 32782288); Not observed at significant frequency in large population cohorts (gnomAD); Truncating variants in this gene are considered pathogenic by a well-established clinical consortium and/or database; Nonsense variant predicted to result in protein truncation or nonsense mediated decay in a gene for which loss of function is a known mechanism of disease; This variant is associated with the following publications: (PMID: 35522273, 28002797, 32782288, 28514183, 35713639)

Labcorp Genetics (formerly Invitae), Labcorp
Classification: Pathogenic for Hereditary nonpolyposis colorectal neoplasms. Last evaluated: 2024-04-24. Review status: criteria provided, single submitter. Criteria: Invitae Variant Classification Sherloc (09022015). Collection method: clinical testing. Allele origin: germline.
Comment: This sequence change creates a premature translational stop signal (p.Trp413*) in the MSH6 gene. It is expected to result in an absent or disrupted protein product. Loss-of-function variants in MSH6 are known to be pathogenic (PMID: 18269114, 24362816). This variant is not present in population databases (gnomAD no frequency). This premature translational stop signal has been observed in individual(s) with Lynch syndrome (PMID: 28514183). ClinVar contains an entry for this variant (Variation ID: 183736). For these reasons, this variant has been classified as Pathogenic.

Myriad Genetics, Inc.
Classification: Pathogenic for Lynch syndrome 5. Last evaluated: 2023-08-11. Review status: criteria provided, single submitter. Criteria: Myriad Autosomal Dominant, Autosomal Recessive and X-Linked Classification Criteria (2023). Collection method: clinical testing. Allele origin: unknown.
Comment: This variant is considered pathogenic. This variant creates a termination codon and is predicted to result in premature protein truncation.

Department of Pathology and Laboratory Medicine, Sinai Health System
Classification: Pathogenic for Endometrial carcinoma. Review status: no assertion criteria provided. Collection method: clinical testing. Allele origin: unknown. Affected: yes. Study: The Canadian Open Genetics Repository (COGR). Not counted in ClinVar's aggregate classification.
Comment: The MSH6 p.Trp413* variant was not identified in the literature nor was it identified in the UMD-LSDB database. The variant was identified in dbSNP (rs786201049) as â€šÃ„Ãºwith pathogenic, uncertain significance allele and ClinVar (classified as pathogenic by Ambry Genetics). The variant was not identified in the following control databases: the Exome Aggregation Consortium (August 8th 2016), or the Genome Aggregation Database (Feb 27, 2017). The c.1238G>A variant leads to a premature stop codon at position 413 which is predicted to lead to a truncated or absent protein and loss of function. Loss of function variants of the MSH6 gene are an established mechanism of disease in Lynch Syndrome and is the type of variant expected to cause the disorder. In summary, based on the above information this variant meets our laboratoryâ€šÃ„Ã´s criteria to be classified as pathogenic.

Literature cited by the submitters: PubMed 18269114 (cited by Labcorp Genetics (formerly Invitae), Labcorp); PubMed 24362816 (cited by Labcorp Genetics (formerly Invitae), Labcorp); PubMed 28514183 (cited by Labcorp Genetics (formerly Invitae), Labcorp).